The following is an entry in ClinVar:

NM_016169.4(SUFU):c.1196G>C (p.Ser399Thr)

Gene: SUFU (SUFU negative regulator of hedgehog signaling; plus strand). Cytogenetic location: 10q24.32.
Variant type: single nucleotide variant.
Coding change: c.1196G>C on transcript NM_016169.4 (MANE Select); coding-DNA position 1196, G replaced by C.
Protein change: p.Ser399Thr; replaces serine 399 with threonine.
Molecular consequence: missense variant.
Genome position (GRCh38, 1-based): chr10:102,617,328, G>C. VCF-style: chr10-102617328-G-C. GRCh37 (hg19) VCF-style: chr10-104377085-G-C.
Other names: c.1196G>C, p.Ser399Thr (NM_001178133.2); c.1196G>C (NM_016169.3); short protein forms S399T.
Identifiers: ClinVar variation 1014479 (VCV001014479.13), dbSNP rs1421345157, ClinGen allele CA377915345.
Genomic context (GRCh38, chr10:102,617,328, plus strand): 5'-GTCTCCATGTTCCCATCTCCAGGGGCAGGCTCCTGCATGGACGGCACTTTACATATAAAA[G>C]TATCACAGGTGACATGGCCATCACGTTTGTCTCCACGGGAGTGGAAGGCGCCTTTGCCAC-3'
Protein context (NP_057253.2, residues 389-409): LLHGRHFTYK[Ser399Thr]ITGDMAITFV

ClinVar aggregate classification (germline): Uncertain significance. Review status: criteria provided, multiple submitters, no conflicts (2 of 4 stars). 2 submissions from 2 submitters: Uncertain significance (2). Last evaluated 2025-11-12.

Conditions:
Medulloblastoma (MDB). Also called: MEDULLOBLASTOMA PREDISPOSITION SYNDROME; Medulloblastoma, somatic. Identifiers: Orphanet 616, MedGen C0025149, MeSH D008527, MONDO:0007959, OMIM 155255, HP:0002885.
Gorlin syndrome. Also called: Nevoid Basal Cell Carcinoma Syndrome; Basal cell nevus syndrome. Identifiers: Orphanet 377, MedGen C0004779, MONDO:0007187.
Hereditary cancer-predisposing syndrome. Also called: Tumor predisposition; Hereditary Cancer Syndrome; Neoplastic Syndromes, Hereditary; Hereditary neoplastic syndrome. Identifiers: Orphanet 140162, MedGen C0027672, MeSH D009386, MONDO:0015356.

Submissions (2):

Ambry Genetics
Classification: Uncertain significance for Hereditary cancer-predisposing syndrome. Last evaluated: 2025-11-12. Review status: criteria provided, single submitter. Criteria: Ambry Variant Classification Scheme 2023. Collection method: clinical testing. Allele origin: germline.
Comment: The p.S399T variant (also known as c.1196G>C), located in coding exon 10 of the SUFU gene, results from a G to C substitution at nucleotide position 1196. The serine at codon 399 is replaced by threonine, an amino acid with similar properties. This amino acid position is conserved. In addition, the in silico prediction for this alteration is inconclusive. Based on the available evidence, the clinical significance of this variant remains unclear.

Labcorp Genetics (formerly Invitae), Labcorp
Classification: Uncertain significance for Gorlin syndrome; Medulloblastoma. Last evaluated: 2020-01-13. Review status: criteria provided, single submitter. Criteria: Invitae Variant Classification Sherloc (09022015). Collection method: clinical testing. Allele origin: germline.
Comment: This variant is not present in population databases (ExAC no frequency). This sequence change replaces serine with threonine at codon 399 of the SUFU protein (p.Ser399Thr). The serine residue is highly conserved and there is a small physicochemical difference between serine and threonine. In summary, the available evidence is currently insufficient to determine the role of this variant in disease. Therefore, it has been classified as a Variant of Uncertain Significance. Algorithms developed to predict the effect of missense changes on protein structure and function are either unavailable or do not agree on the potential impact of this missense change (SIFT: "Tolerated"; PolyPhen-2: "Probably Damaging"; Align-GVGD: "Class C0"). This variant has not been reported in the literature in individuals with SUFU-related conditions.